The following is an entry in ClinVar:

NM_000091.5(COL4A3):c.1213_1214del (p.Glu405fs)

Genes: COL4A3 (collagen type IV alpha 3 chain; plus strand), MFF-DT (MFF divergent transcript; minus strand). Cytogenetic location: 2q36.3.
Variant type: Deletion.
Coding change: c.1213_1214del on transcript NM_000091.5 (MANE Select); coding-DNA positions 1213 to 1214, 2 bases deleted (GA; older notation c.1213_1214delGA).
Protein change: p.Glu405fs; shifts the reading frame from glutamic acid 405.
Molecular consequence: frameshift variant.
Genome position (GRCh38, 1-based): chr2:227,263,842-227,263,843, GA deleted. VCF-style (leftmost placement, unchanged base first): chr2-227263841-GGA-G. GRCh37 (hg19) VCF-style: chr2-228128557-GGA-G.
Other names: short protein forms E405fs.
Identifiers: ClinVar variation 2840649 (VCV002840649.3), dbSNP rs2469634052, ClinGen allele CA2739278709.

ClinVar aggregate classification (germline): Pathogenic (1 of 4 stars; one submission).

Submission:

Labcorp Genetics (formerly Invitae), Labcorp
Classification: Pathogenic. Last evaluated: 2024-03-12. Review status: criteria provided, single submitter. Criteria: Invitae Variant Classification Sherloc (09022015). Collection method: clinical testing. Allele origin: germline.
Comment: This sequence change creates a premature translational stop signal (p.Glu405Thrfs*35) in the COL4A3 gene. It is expected to result in an absent or disrupted protein product. Loss-of-function variants in COL4A3 are known to be pathogenic (PMID: 8956999, 24854265, 26809805, 27281700). This variant is not present in population databases (gnomAD no frequency). This variant has not been reported in the literature in individuals affected with COL4A3-related conditions. For these reasons, this variant has been classified as Pathogenic.

Literature cited by the submitters: PubMed 8956999; PubMed 24854265; PubMed 26809805; PubMed 27281700.